The following is an entry in ClinVar:

ClinVar aggregate classification (germline): Conflicting classifications of pathogenicity. Review status: criteria provided, conflicting classifications (1 of 4 stars). 6 submissions from 6 submitters: Uncertain significance (1); Benign (1); Likely benign (3). 1 of the submissions does not count toward it. Last evaluated 2026-03-09.

Conditions:
REEP1-related disorder. Also called: REEP1-related condition.
Inborn genetic diseases. Identifiers: MedGen C0950123, MeSH D030342.
Hereditary spastic paraplegia 31. Also called: SPASTIC PARAPLEGIA 31, AUTOSOMAL DOMINANT. Identifiers: Orphanet 101011, MedGen C1853247, MONDO:0012453, OMIM 610250.

Allele frequency attached by ClinVar (database versions not stated): gnomAD exomes 0.00009 and 0.00026; ExAC 0.00032; gnomAD 0.00081 and 0.00084; TOPMed 0.00091; ESP Exome Variant Server 0.00108; 1000 Genomes Project 0.00120; 1000 Genomes Project 30x 0.00125.
gnomAD v4.1: 268 of 1,611,742 alleles (0.017%); highest among the groups gnomAD compares: African/African-American, 0.27%; 1 homozygote.

Submissions (7):

Women's Health and Genetics/Laboratory Corporation of America, LabCorp
Classification: Likely benign. Last evaluated: 2026-03-09. Review status: criteria provided, single submitter. Criteria: LabCorp Variant Classification Summary - May 2015. Collection method: clinical testing. Allele origin: germline.
Comment: Variant summary: REEP1 c.529C>T (p.Arg177Trp) results in a non-conservative amino acid change in the encoded protein sequence. Algorithms developed to predict the effect of missense changes on protein structure and function are either unavailable or do not agree on the potential impact of this missense change. The variant allele was found at a frequency of 0.00026 in 245912 control chromosomes, predominantly at a frequency of 0.0031 within the African or African-American subpopulation in the gnomAD database. The observed variant frequency within African or African-American control individuals in the gnomAD database exceeds the estimated maximal expected allele frequency for disease-causing variants in REEP1. To our knowledge, no occurrence of c.529C>T in individuals affected with REEP1-related conditions and no experimental evidence demonstrating its impact on protein function have been reported. ClinVar contains an entry for this variant (Variation ID: 245986). Based on the evidence outlined above, the variant was classified as likely benign.

Labcorp Genetics (formerly Invitae), Labcorp
Classification: Likely benign for Hereditary spastic paraplegia 31. Last evaluated: 2026-01-05. Review status: criteria provided, single submitter. Criteria: Invitae Variant Classification Sherloc (09022015). Collection method: clinical testing. Allele origin: germline.

Ambry Genetics
Classification: Likely benign for Inborn genetic diseases. Last evaluated: 2020-08-03. Review status: criteria provided, single submitter. Criteria: Ambry Variant Classification Scheme 2023. Collection method: clinical testing. Allele origin: germline.

Illumina Laboratory Services, Illumina
Classification: Benign for Hereditary spastic paraplegia 31. Last evaluated: 2018-01-13. Review status: criteria provided, single submitter. Criteria: ICSL Variant Classification Criteria 13 December 2019. Collection method: clinical testing. Allele origin: germline.
Comment: This variant was observed in the ICSL laboratory as part of a predisposition screen in an ostensibly healthy population. It had not been previously curated by ICSL or reported in the Human Gene Mutation Database (HGMD: prior to June 1st, 2018), and was therefore a candidate for classification through an automated scoring system. Utilizing variant allele frequency, disease prevalence and penetrance estimates, and inheritance mode, an automated score was calculated to assess if this variant is too frequent to cause the disease. Based on the score and internal cut-off values, a variant classified as benign is not then subjected to further curation. The score for this variant resulted in a classification of benign for this disease.

GeneDx
Classification: Uncertain significance. Last evaluated: 2015-10-21. Review status: criteria provided, single submitter. Criteria: GeneDx Variant Classification (06012015). Collection method: clinical testing. Allele origin: germline. Affected: yes.
Comment: The R117W variant has not been published as a pathogenic variant, nor has it been reported as a benign variant to our knowledge. The 1000 Genomes Project Consortium reports R117W was observed in 3/170 alleles from the Mende of Sierra Leone. The R117W variant is a non-conservative amino acid substitution, which is likely to impact secondary protein structure as these residues differ in polarity, charge, size and/or other properties. This substitution occurs at a position that is conserved across species. In silico analysis is inconsistent in its predictions as to whether or not the variant is damaging to the protein structure/function. Therefore, based on the currently available information, it is unclear whether this variant is a pathogenic variant or a rare benign variant.

PreventionGenetics, part of Exact Sciences
Classification: Likely benign for REEP1-related condition. Last evaluated: 2021-01-11. Review status: no assertion criteria provided. Collection method: clinical testing. Allele origin: germline. Not counted in ClinVar's aggregate classification.
Comment: This variant is classified as likely benign based on ACMG/AMP sequence variant interpretation guidelines (Richards et al. 2015 PMID: 25741868, with internal and published modifications).

Dr. Peter K. Rogan Lab, Western University
No classification provided (evidence only). Condition: Familial prostate cancer. Review status: no classification provided. Collection method: in vitro. Allele origin: not applicable. Functional consequence: retained intron. Not counted in ClinVar's aggregate classification.

NM_001371279.1(REEP1):c.529C>T (p.Arg177Trp)

Gene: REEP1 (receptor accessory protein 1; minus strand). Cytogenetic location: 2p11.2.
Variant type: single nucleotide variant.
Coding change: c.529C>T on transcript NM_001371279.1 (MANE Select); coding-DNA position 529, C replaced by T.
Protein change: p.Arg177Trp; replaces arginine 177 with tryptophan.
Molecular consequence: missense variant. On other transcripts: synonymous variant (1), intron variant (1).
Genome position (GRCh38, 1-based): chr2:86,232,691, G>A on the plus strand (C>T on the coding strand, the complement: REEP1 is on the minus strand). VCF-style: chr2-86232691-G-A. GRCh37 (hg19) VCF-style: chr2-86459814-G-A.
Other names: c.550C>T, p.Arg184Trp (NM_001164730.2); c.448C>T, p.Arg150Trp (NM_001164731.2); c.294C>T, p.Gly98= (NM_001164732.2); c.529C>T, p.Arg177Trp (NM_022912.3); c.418-15581C>T (NM_001371280.1); short protein forms R177W, R184W, R150W.
Identifiers: ClinVar variation 245986 (VCV000245986.24), dbSNP rs144874997, ClinGen allele CA1748693.